The following is an entry in ClinVar:

ClinVar aggregate classification (germline): Conflicting classifications of pathogenicity. Review status: criteria provided, conflicting classifications (1 of 4 stars). 7 submissions from 6 submitters: Likely pathogenic (1); Uncertain significance (5). 1 of the submissions does not count toward it. Last evaluated 2024-07-18.

Conditions:
USH2A-related disorder. Also called: USH2A-related condition; USH2A-related disorders. Identifiers: MedGen CN239332.
Usher syndrome type 2A. Also called: USHER SYNDROME, TYPE IIA; RETINAL DISEASE IN USHER SYNDROME TYPE IIA, MODIFIER OF. Identifiers: Orphanet 231178, Orphanet 886, MedGen C1848634, MONDO:0010169, OMIM 276901.
Retinitis pigmentosa 39 (RP39). Identifiers: Orphanet 791, MedGen C3151138, MONDO:0013436, OMIM 613809.

Submissions (7):

Women's Health and Genetics/Laboratory Corporation of America, LabCorp
Classification: Uncertain significance. Last evaluated: 2024-07-18. Review status: criteria provided, single submitter. Criteria: LabCorp Variant Classification Summary - May 2015. Collection method: clinical testing. Allele origin: germline.
Comment: Variant summary: USH2A c.854T>C (p.Ile285Thr) results in a non-conservative amino acid change in the encoded protein sequence. Five of five in-silico tools predict a damaging effect of the variant on protein function. The frequency data for this variant in gnomAD is considered unreliable, as metrics indicate poor data quality at this position. c.854T>C has been reported in the literature in individuals affected with Usher Syndrome (e.g. Lenassi_2015, Bonnet_2016). These data indicate that the variant may be associated with disease. To our knowledge, no experimental evidence demonstrating an impact on protein function has been reported. The following publications have been ascertained in the context of this evaluation (PMID: 25649381, 27460420, 36460718). ClinVar contains an entry for this variant (Variation ID: 48603). Based on the evidence outlined above, the variant was classified as VUS-possibly pathogenic.

Genome-Nilou Lab
Classification: Uncertain significance for Retinitis pigmentosa 39. Last evaluated: 2023-11-04. Review status: criteria provided, single submitter. Criteria: ACMG Guidelines, 2015. Collection method: clinical testing. Allele origin: germline. Affected: no.

Genome-Nilou Lab
Classification: Uncertain significance for Usher syndrome type 2A. Last evaluated: 2023-11-04. Review status: criteria provided, single submitter. Criteria: ACMG Guidelines, 2015. Collection method: clinical testing. Allele origin: germline. Affected: no.

Blueprint Genetics
Classification: Likely pathogenic for USH2A-related disorders. Last evaluated: 2023-06-12. Review status: criteria provided, single submitter. Criteria: ACMG Guidelines, 2015. Collection method: clinical testing. Allele origin: germline. Affected: yes. Observed: 3 variant alleles.

Labcorp Genetics (formerly Invitae), Labcorp
Classification: Uncertain significance. Last evaluated: 2022-07-19. Review status: criteria provided, single submitter. Criteria: Invitae Variant Classification Sherloc (09022015). Collection method: clinical testing. Allele origin: germline.
Comment: This sequence change replaces isoleucine, which is neutral and non-polar, with threonine, which is neutral and polar, at codon 285 of the USH2A protein (p.Ile285Thr). This variant is not present in population databases (gnomAD no frequency). This missense change has been observed in individual(s) with autosomal recessive retinitis pigmentosa and/or Usher syndrome (PMID: 25649381, 27460420; Invitae). ClinVar contains an entry for this variant (Variation ID: 48603). Algorithms developed to predict the effect of missense changes on protein structure and function are either unavailable or do not agree on the potential impact of this missense change (SIFT: "Deleterious"; PolyPhen-2: "Benign"; Align-GVGD: "Class C0"). In summary, the available evidence is currently insufficient to determine the role of this variant in disease. Therefore, it has been classified as a Variant of Uncertain Significance.

Laboratory for Molecular Medicine, Mass General Brigham Personalized Medicine
Classification: Uncertain significance. Last evaluated: 2011-10-17. Review status: criteria provided, single submitter. Criteria: LMM Criteria. Collection method: clinical testing. Allele origin: germline. Observed: 1 variant allele.
Comment: Variant classified as Uncertain Significance - Favor Pathogenic. The Ile285Thr v ariant in USH2A has not been reported in the literature nor previously identifie d by our laboratory. Computational analyses (biochemical amino acid properties, homology, PolyPhen2, SIFT, AlignGVGD) do not provide strong support for or again st pathogenicity. In summary, the clinical significance of this variant cannot b e determined with certainty at this time.

Counsyl
Classification: Uncertain significance for Usher syndrome type 2A; Retinitis pigmentosa 39. Last evaluated: 2017-07-07. Review status: no assertion criteria provided. Collection method: clinical testing. Allele origin: unknown. Not counted in ClinVar's aggregate classification.

Literature cited by the submitters: PubMed 25649381 (cited by 3 submitters); PubMed 27460420 (cited by 3 submitters); PubMed 36460718 (cited by Women's Health and Genetics/Laboratory Corporation of America, LabCorp).

NM_206933.4(USH2A):c.854T>C (p.Ile285Thr)

Gene: USH2A (usherin; minus strand). Cytogenetic location: 1q41.
Variant type: single nucleotide variant.
Coding change: c.854T>C on transcript NM_206933.4 (MANE Select); coding-DNA position 854, T replaced by C.
Protein change: p.Ile285Thr; replaces isoleucine 285 with threonine.
Molecular consequence: missense variant.
Genome position (GRCh38, 1-based): chr1:216,325,594, A>G on the plus strand (T>C on the coding strand, the complement: USH2A is on the minus strand). VCF-style: chr1-216325594-A-G. GRCh37 (hg19) VCF-style: chr1-216498936-A-G.
Other names: c.854T>C, p.Ile285Thr (NM_007123.6); short protein forms I285T.
Identifiers: ClinVar variation 48603 (VCV000048603.18), dbSNP rs397518038, ClinGen allele CA143630.